The following is an entry in ClinVar:

ClinVar aggregate classification (germline): Uncertain significance (1 of 4 stars; one submission).

Conditions:
Nephronophthisis 15 (NPHP15). Identifiers: Orphanet 3156, MedGen C3541853, MONDO:0013917, OMIM 614845.

Allele frequency attached by ClinVar (database versions not stated): TOPMed 0.00001.

Submission:

Labcorp Genetics (formerly Invitae), Labcorp
Classification: Uncertain significance for Nephronophthisis 15. Last evaluated: 2022-03-09. Review status: criteria provided, single submitter. Criteria: Invitae Variant Classification Sherloc (09022015). Collection method: clinical testing. Allele origin: germline.
Comment: In summary, the available evidence is currently insufficient to determine the role of this variant in disease. Therefore, it has been classified as a Variant of Uncertain Significance. This sequence change replaces glycine, which is neutral and non-polar, with glutamic acid, which is acidic and polar, at codon 1341 of the CEP164 protein (p.Gly1341Glu). This variant is not present in population databases (gnomAD no frequency). This variant has not been reported in the literature in individuals affected with CEP164-related conditions. Algorithms developed to predict the effect of missense changes on protein structure and function are either unavailable or do not agree on the potential impact of this missense change (SIFT: "Deleterious"; PolyPhen-2: "Probably Damaging"; Align-GVGD: "Class C0").

NM_014956.5(CEP164):c.4022G>A (p.Gly1341Glu)

Gene: CEP164 (centrosomal protein 164; plus strand). Cytogenetic location: 11q23.3.
Variant type: single nucleotide variant.
Coding change: c.4022G>A on transcript NM_014956.5 (MANE Select); coding-DNA position 4022, G replaced by A.
Protein change: p.Gly1341Glu; replaces glycine 1341 with glutamic acid.
Molecular consequence: missense variant.
Genome position (GRCh38, 1-based): chr11:117,409,891, G>A. VCF-style: chr11-117409891-G-A. GRCh37 (hg19) VCF-style: chr11-117280607-G-A.
Other names: c.4007G>A, p.Gly1336Glu (NM_001271933.2); short protein forms G1336E, G1341E.
Identifiers: ClinVar variation 1971718 (VCV001971718.4), dbSNP rs1019190116, ClinGen allele CA229375205.